The following is an entry in ClinVar:

ClinVar aggregate classification (germline): Uncertain significance (1 of 4 stars; one submission).

Allele frequency attached by ClinVar (database versions not stated): ExAC 0.00002; gnomAD 0.00002; TOPMed 0.00003; 1000 Genomes Project 0.00020; 1000 Genomes Project 30x 0.00031.
gnomAD v4.1: 8 of 1,614,182 alleles (0.0005%); highest among the groups gnomAD compares: African/African-American, 0.0067%; no homozygotes.

Submission:

Labcorp Genetics (formerly Invitae), Labcorp
Classification: Uncertain significance. Last evaluated: 2023-09-05. Review status: criteria provided, single submitter. Criteria: Invitae Variant Classification Sherloc (09022015). Collection method: clinical testing. Allele origin: germline.
Comment: This sequence change falls in intron 3 of the ABCG8 gene. It does not directly change the encoded amino acid sequence of the ABCG8 protein. This variant is present in population databases (rs537972938, gnomAD 0.01%). This variant has not been reported in the literature in individuals affected with ABCG8-related conditions. Algorithms developed to predict the effect of sequence changes on RNA splicing suggest that this variant may disrupt the consensus splice site. In summary, the available evidence is currently insufficient to determine the role of this variant in disease. Therefore, it has been classified as a Variant of Uncertain Significance.

NM_022437.3(ABCG8):c.323-10G>A

Gene: ABCG8 (ATP binding cassette subfamily G member 8; plus strand). Cytogenetic location: 2p21.
Variant type: single nucleotide variant.
Coding change: c.323-10G>A on transcript NM_022437.3 (MANE Select); 10 bases into the intron before coding-DNA position 323, G replaced by A.
Molecular consequence: intron variant.
Genome position (GRCh38, 1-based): chr2:43,851,574, G>A. VCF-style: chr2-43851574-G-A. GRCh37 (hg19) VCF-style: chr2-44078713-G-A.
Other names: c.323-10G>A (NM_001357321.2).
Identifiers: ClinVar variation 2766587 (VCV002766587.1), dbSNP rs537972938, ClinGen allele CA1636983.